The following is an entry in ClinVar:

ClinVar aggregate classification (germline): Pathogenic/Likely pathogenic. Review status: criteria provided, multiple submitters, no conflicts (2 of 4 stars). 8 submissions from 8 submitters: Pathogenic (3); Likely pathogenic (3). 2 of the submissions do not count toward it. Last evaluated 2026-08-28.

Conditions:
Cerebral palsy, spastic quadriplegic, 3 (CPSQ3). Identifiers: Orphanet 210141, MedGen C4310767, MONDO:0014862, OMIM 617008.
Cerebral palsy. Identifiers: MedGen C0007789, MONDO:0006497, HP:0100021.

Allele frequency attached by ClinVar (database versions not stated): gnomAD exomes below 0.00001 and 0.00001; 1000 Genomes Project 0.00020; TOPMed below 0.00001; ExAC 0.00001; 1000 Genomes Project 30x 0.00016; gnomAD 0.00001.
gnomAD v4.1: 14 of 1,614,048 alleles (0.00087%); highest among the groups gnomAD compares: Middle Eastern, 0.016%; no homozygotes.

Submissions (8):

GeneDx
Classification: Likely pathogenic. Last evaluated: 2026-08-28. Review status: criteria provided, single submitter. Criteria: GeneDx Variant Classification Process June 2021. Collection method: clinical testing. Allele origin: germline.
Comment: In silico analysis supports that this missense variant has a deleterious effect on protein structure/function; This variant is associated with the following publications: (PMID: 34426522, 28899476, 32029431, 36046955, 30369941, 28492530, 37460657, 38570878, 34859687, 27391121, 30109564, 23836506, 28042670, 39213953, 40388540)

Dubai Health Genomic Medicine Center, Dubai Health
Classification: Pathogenic for Cerebral palsy. Last evaluated: 2024-10-04. Review status: criteria provided, single submitter. Criteria: ACMG Guidelines, 2015. Collection method: research. Allele origin: germline. Affected: yes.
Comment: PS3, PM2, PM3, PP1_Moderate

Genetics Department, Catlab
Classification: Likely pathogenic for Cerebral palsy, spastic quadriplegic, 3. Last evaluated: 2024-04-10. Review status: criteria provided, single submitter. Criteria: ACMG Guidelines, 2015. Collection method: clinical testing. Allele origin: biparental. Affected: yes. Observed: 1 variant allele.
Comment: The c.1100G>A variant in the ADD3 gene is an extremely rare missense variant in gnomAD 4.1 (AF=8.6e-06) (PM2). Functional studies in cells and Drosophila support a deleterious effect of the variant in the protein function (PS3) and REVEL predicts a deleterious effect (PP3). Moreover, the variant has been found to segregate in 4 affected members of a family (PMID: 23836506) (PP1_strong). With all the available evidence, the variant is classified as likely pathogenic.

Baylor Genetics
Classification: Likely pathogenic for Cerebral palsy, spastic quadriplegic, 3. Last evaluated: 2020-07-09. Review status: criteria provided, single submitter. Criteria: ACMG Guidelines, 2015. Collection method: clinical testing. Allele origin: unknown. Affected: yes.
Comment: This variant was determined to be likely pathogenic according to ACMG Guidelines, 2015 [PMID:25741868].

Institute of Human Genetics, University of Leipzig Medical Center
Classification: Pathogenic for Cerebral palsy, spastic quadriplegic, 3. Last evaluated: 2020-06-01. Review status: criteria provided, single submitter. Criteria: ACMG Guidelines, 2015. Collection method: clinical testing. Allele origin: germline. Inheritance: Autosomal recessive inheritance. Affected: yes.
Comment: the same text as in the submission from Dubai Health Genomic Medicine Center, Dubai Health above.

CENTOGENE GmbH and LLC - Guiding Precision Medicine
Classification: Pathogenic for Cerebral palsy, spastic quadriplegic, 3. Last evaluated: 2019-04-30. Review status: criteria provided, single submitter. Criteria: ACMG Guidelines, 2015. Collection method: clinical testing. Allele origin: germline. Affected: yes.

OMIM
Classification: Pathogenic for CEREBRAL PALSY, SPASTIC QUADRIPLEGIC, 3. Last evaluated: 2024-02-15. Review status: no assertion criteria provided. Collection method: literature only. Allele origin: germline. Not counted in ClinVar's aggregate classification.

ClinVar Staff, National Center for Biotechnology Information (NCBI)
Classification: Pathogenic for Cerebral palsy. Review status: no assertion criteria provided. Collection method: literature only. Allele origin: germline. Inheritance: Autosomal recessive inheritance. Affected: yes. Observed: 4 variant alleles, 4 homozygotes. Clinical features observed: Frontotemporal cerebral atrophy, Ventriculomegaly. Not counted in ClinVar's aggregate classification.

Literature cited by the submitters: PubMed 23836506 (cited by 3 submitters); PubMed 30369941 (cited by OMIM); PubMed 36046955 (cited by OMIM).

NM_016824.5(ADD3):c.1100G>A (p.Gly367Asp)

Gene: ADD3 (adducin 3; plus strand). Cytogenetic location: 10q25.2.
Variant type: single nucleotide variant.
Coding change: c.1100G>A on transcript NM_016824.5 (MANE Select); coding-DNA position 1100, G replaced by A.
Protein change: p.Gly367Asp; replaces glycine 367 with aspartic acid.
Molecular consequence: missense variant.
Genome position (GRCh38, 1-based): chr10:110,122,249, G>A. VCF-style: chr10-110122249-G-A. GRCh37 (hg19) VCF-style: chr10-111882007-G-A.
Other names: c.1100G>A, p.Gly367Asp (NM_001121.4, NM_001320591.2, NM_001320592.2 and 2 more transcripts); c.866G>A, p.Gly289Asp (NM_001320594.2); short protein forms G367D, G289D.
Identifiers: ClinVar variation 242273 (VCV000242273.12), dbSNP rs564185858, ClinGen allele CA5686536.